The following is an entry in ClinVar:

ClinVar aggregate classification (germline): Uncertain significance (1 of 4 stars; one submission).

Submission:

Labcorp Genetics (formerly Invitae), Labcorp
Classification: Uncertain significance. Last evaluated: 2025-09-22. Review status: criteria provided, single submitter. Criteria: Invitae Variant Classification Sherloc (09022015). Collection method: clinical testing. Allele origin: germline.
Comment: This sequence change replaces alanine, which is neutral and non-polar, with serine, which is neutral and polar, at codon 1995 of the DCHS1 protein (p.Ala1995Ser). This variant is not present in population databases (gnomAD no frequency). This variant has not been reported in the literature in individuals affected with DCHS1-related conditions. Invitae Evidence Modeling of protein sequence and biophysical properties (such as structural, functional, and spatial information, amino acid conservation, physicochemical variation, residue mobility, and thermodynamic stability) indicates that this missense variant is not expected to disrupt DCHS1 protein function with a negative predictive value of 80%. In summary, the available evidence is currently insufficient to determine the role of this variant in disease. Therefore, it has been classified as a Variant of Uncertain Significance.

NM_003737.4(DCHS1):c.5983G>T (p.Ala1995Ser)

Gene: DCHS1 (dachsous cadherin-related 1; minus strand). Cytogenetic location: 11p15.4.
Variant type: single nucleotide variant.
Coding change: c.5983G>T on transcript NM_003737.4 (MANE Select); coding-DNA position 5983, G replaced by T.
Protein change: p.Ala1995Ser; replaces alanine 1995 with serine.
Molecular consequence: missense variant.
Genome position (GRCh38, 1-based): chr11:6,627,056, C>A on the plus strand (G>T on the coding strand, the complement: DCHS1 is on the minus strand). VCF-style: chr11-6627056-C-A. GRCh37 (hg19) VCF-style: chr11-6648287-C-A.
Other names: short protein forms A1995S.
Identifiers: ClinVar variation 4742940 (VCV004742940.1).